The following is an entry in ClinVar:

NM_014270.5(SLC7A9):c.252G>A (p.Ala84=)

Gene: SLC7A9 (solute carrier family 7 member 9; minus strand). Cytogenetic location: 19q13.11.
Variant type: single nucleotide variant.
Coding change: c.252G>A on transcript NM_014270.5 (MANE Select); coding-DNA position 252, G replaced by A.
Protein change: p.Ala84=; no amino-acid change (alanine 84 retained).
Molecular consequence: synonymous variant.
Genome position (GRCh38, 1-based): chr19:32,864,322, C>T on the plus strand (G>A on the coding strand, the complement: SLC7A9 is on the minus strand). VCF-style: chr19-32864322-C-T. GRCh37 (hg19) VCF-style: chr19-33355228-C-T.
Other names: c.252G>A, p.Ala84= (NM_001126335.2, NM_001243036.2).
Identifiers: ClinVar variation 719424 (VCV000719424.13), dbSNP rs61748991, ClinGen allele CA9358882.

ClinVar aggregate classification (germline): Benign. Review status: criteria provided, single submitter (1 of 4 stars). 2 submissions from 2 submitters: Benign (1). 1 of the submissions does not count toward it. Last evaluated 2026-01-28.

Conditions:
SLC7A9-related disorder. Also called: SLC7A9-related condition.

Allele frequency attached by ClinVar (database versions not stated): gnomAD exomes 0.00027 and 0.00073; ExAC 0.00080; ESP Exome Variant Server 0.00284; gnomAD 0.00293 and 0.00311; 1000 Genomes Project 0.00339; TOPMed 0.00353; 1000 Genomes Project 30x 0.00359.
gnomAD v4.1: 880 of 1,614,010 alleles (0.055%); highest among the groups gnomAD compares: African/African-American, 1%; 4 homozygotes.

Submissions (3):

Labcorp Genetics (formerly Invitae), Labcorp
Classification: Benign. Last evaluated: 2026-01-28. Review status: criteria provided, single submitter. Criteria: Invitae Variant Classification Sherloc (09022015). Collection method: clinical testing. Allele origin: germline.

PreventionGenetics, part of Exact Sciences
Classification: Benign for SLC7A9-related condition. Last evaluated: 2019-09-27. Review status: no assertion criteria provided. Collection method: clinical testing. Allele origin: germline. Not counted in ClinVar's aggregate classification.
Comment: This variant is classified as benign based on ACMG/AMP sequence variant interpretation guidelines (Richards et al. 2015 PMID: 25741868, with internal and published modifications).

Dr. Peter K. Rogan Lab, Western University
No classification provided (evidence only). Condition: Uterine corpus endometrial carcinoma. Review status: no classification provided. Collection method: in vitro. Allele origin: not applicable. Functional consequence: retained intron. Not counted in ClinVar's aggregate classification.